The following is an entry in ClinVar:

ClinVar aggregate classification (germline): Uncertain significance (1 of 4 stars; one submission).

Conditions:
Hereditary cancer-predisposing syndrome. Also called: Hereditary neoplastic syndrome; Neoplastic Syndromes, Hereditary; Tumor predisposition; Hereditary Cancer Syndrome. Identifiers: Orphanet 140162, MedGen C0027672, MeSH D009386, MONDO:0015356.

Submission:

Ambry Genetics
Classification: Uncertain significance for Hereditary cancer-predisposing syndrome. Last evaluated: 2025-01-30. Review status: criteria provided, single submitter. Criteria: Ambry Variant Classification Scheme 2023. Collection method: clinical testing. Allele origin: germline.
Comment: The p.G1531S variant (also known as c.4591G>A), located in coding exon 29 of the ALK gene, results from a G to A substitution at nucleotide position 4591. The glycine at codon 1531 is replaced by serine, an amino acid with similar properties. This amino acid position is conserved. In addition, this alteration is predicted to be tolerated by in silico analysis. Based on the available evidence, the clinical significance of this variant remains unclear.

NM_004304.5(ALK):c.4591G>A (p.Gly1531Ser)

Gene: ALK (ALK receptor tyrosine kinase; minus strand). Cytogenetic location: 2p23.2.
Variant type: single nucleotide variant.
Coding change: c.4591G>A on transcript NM_004304.5 (MANE Select); coding-DNA position 4591, G replaced by A.
Protein change: p.Gly1531Ser; replaces glycine 1531 with serine.
Molecular consequence: missense variant.
Genome position (GRCh38, 1-based): chr2:29,193,496, C>T on the plus strand (G>A on the coding strand, the complement: ALK is on the minus strand). VCF-style: chr2-29193496-C-T. GRCh37 (hg19) VCF-style: chr2-29416362-C-T.
Other names: c.1387G>A, p.Gly463Ser (NM_001353765.2); short protein forms G1531S, G463S.
Identifiers: ClinVar variation 3855532 (VCV003855532.1).